The following is an entry in ClinVar:

NM_000489.6(ATRX):c.4329G>A (p.Glu1443=)

Gene: ATRX (ATRX chromatin remodeler; minus strand). Cytogenetic location: Xq21.1.
Variant type: single nucleotide variant.
Coding change: c.4329G>A on transcript NM_000489.6 (MANE Select); coding-DNA position 4329, G replaced by A.
Protein change: p.Glu1443=; no amino-acid change (glutamic acid 1443 retained).
Molecular consequence: synonymous variant.
Genome position (GRCh38, 1-based): chrX:77,652,342, C>T on the plus strand (G>A on the coding strand, the complement: ATRX is on the minus strand). VCF-style: chrX-77652342-C-T. GRCh37 (hg19) VCF-style: chrX-76907832-C-T.
Other names: c.4215G>A, p.Glu1405= (NM_138270.5).
Identifiers: ClinVar variation 699795 (VCV000699795.39), dbSNP rs782044671, ClinGen allele CA10457805.
Genomic context (GRCh38, chrX:77,652,342, plus strand): 5'-CTCCTCCTCTTCCTCCTCCTCCTCCTCTTCCTCCTCCTCTTCTTTTTCCTCCTCTTCTTC[C>T]TCAGAATTACTCTACAGAATTTAAACAATTAGAGGTAAACAGTACAAAGTCATTTAATTT-3'
Protein context (NP_000480.3, residues 1433-1453): DSSSENKSNS[Glu1443=]EEEEEKEEEE

ClinVar aggregate classification (germline): Likely benign. Review status: criteria provided, multiple submitters, no conflicts (2 of 4 stars). 3 submissions from 3 submitters: Likely benign (2). 1 of the submissions does not count toward it. Last evaluated 2024-07-24.

Conditions:
Alpha thalassemia-X-linked intellectual disability syndrome (ATRX). Also called: ATR-X syndrome; Alpha thalassemia mental retardation syndrome, nondeletion type, X-linked; XLMR hypotonic face syndrome; ALPHA-THALASSEMIA/MENTAL RETARDATION SYNDROME, X-LINKED; ATR, NONDELETION TYPE; X-linked alpha-thalassemia-mental retardation syndrome. Identifiers: Orphanet 847, MedGen C1845055, MONDO:0010519, OMIM 301040.

Allele frequency attached by ClinVar (database versions not stated): gnomAD exomes 0.00004; TOPMed 0.00003; ExAC 0.00004; gnomAD 0.00002.
gnomAD v4.1: 55 of 1,200,793 alleles (0.0046%); highest among the groups gnomAD compares: Non-Finnish European, 0.0056%; no homozygotes.

Submissions (3):

Labcorp Genetics (formerly Invitae), Labcorp
Classification: Likely benign for Alpha thalassemia-X-linked intellectual disability syndrome. Last evaluated: 2024-07-24. Review status: criteria provided, single submitter. Criteria: Invitae Variant Classification Sherloc (09022015). Collection method: clinical testing. Allele origin: germline.

CeGaT Center for Human Genetics Tuebingen
Classification: Likely benign. Last evaluated: 2022-11-01. Review status: criteria provided, single submitter. Criteria: CeGaT Center For Human Genetics Tuebingen Variant Classification Criteria Version 2. Collection method: clinical testing. Allele origin: germline. Affected: yes. Observed: 1 variant allele.
Comment: ATRX: BP4, BP7

Natera, Inc.
Classification: Likely benign for X-linked alpha-thalassemia-mental retardation syndrome. Last evaluated: 2020-01-28. Review status: no assertion criteria provided. Collection method: clinical testing. Allele origin: germline. Not counted in ClinVar's aggregate classification.